The following is an entry in ClinVar:

NM_032447.5(FBN3):c.4738G>A (p.Val1580Ile)

Gene: FBN3 (fibrillin 3; minus strand). Cytogenetic location: 19p13.2.
Variant type: single nucleotide variant.
Coding change: c.4738G>A on transcript NM_032447.5 (MANE Select); coding-DNA position 4738, G replaced by A.
Protein change: p.Val1580Ile; replaces valine 1580 with isoleucine.
Molecular consequence: missense variant.
Genome position (GRCh38, 1-based): chr19:8,106,183, C>T on the plus strand (G>A on the coding strand, the complement: FBN3 is on the minus strand). VCF-style: chr19-8106183-C-T. GRCh37 (hg19) VCF-style: chr19-8171067-C-T.
Other names: c.4738G>A, p.Val1580Ile (NM_001321431.2); c.4738G>A (NM_001321431.1); short protein forms V1580I.
Identifiers: ClinVar variation 730060 (VCV000730060.51), dbSNP rs151274163, ClinGen allele CA9151937.

ClinVar aggregate classification (germline): Likely benign. Review status: criteria provided, multiple submitters, no conflicts (2 of 4 stars). 3 submissions from 3 submitters: Likely benign (2). 1 of the submissions does not count toward it. Last evaluated 2026-01-16.

Conditions:
FBN3-related disorder. Also called: FBN3-related condition.

Allele frequency attached by ClinVar (database versions not stated): 1000 Genomes Project 30x 0.00094; 1000 Genomes Project 0.00100; TOPMed 0.00346; gnomAD 0.00434 and 0.00451; ESP Exome Variant Server 0.00454; ExAC 0.00575.
gnomAD v4.1: 9,006 of 1,614,110 alleles (0.56%); highest among the groups gnomAD compares: Non-Finnish European, 0.68%; 34 homozygotes.

Submissions (3):

Labcorp Genetics (formerly Invitae), Labcorp
Classification: Likely benign. Last evaluated: 2026-01-16. Review status: criteria provided, single submitter. Criteria: Invitae Variant Classification Sherloc (09022015). Collection method: clinical testing. Allele origin: germline.

CeGaT Center for Human Genetics Tuebingen
Classification: Likely benign. Last evaluated: 2023-04-01. Review status: criteria provided, single submitter. Criteria: CeGaT Center For Human Genetics Tuebingen Variant Classification Criteria Version 2. Collection method: clinical testing. Allele origin: germline. Affected: yes. Observed: 2 variant alleles.
Comment: FBN3: BS2

PreventionGenetics, part of Exact Sciences
Classification: Benign for FBN3-related condition. Last evaluated: 2019-03-11. Review status: no assertion criteria provided. Collection method: clinical testing. Allele origin: germline. Not counted in ClinVar's aggregate classification.
Comment: This variant is classified as benign based on ACMG/AMP sequence variant interpretation guidelines (Richards et al. 2015 PMID: 25741868, with internal and published modifications).